The following is an entry in ClinVar:

NM_004744.5(LRAT):c.551C>G (p.Thr184Ser)

Gene: LRAT (lecithin retinol acyltransferase; plus strand). Cytogenetic location: 4q32.1.
Variant type: single nucleotide variant.
Coding change: c.551C>G on transcript NM_004744.5 (MANE Select); coding-DNA position 551, C replaced by G.
Protein change: p.Thr184Ser; replaces threonine 184 with serine.
Molecular consequence: missense variant.
Genome position (GRCh38, 1-based): chr4:154,748,994, C>G. VCF-style: chr4-154748994-C-G. GRCh37 (hg19) VCF-style: chr4-155670146-C-G.
Other names: c.551C>G, p.Thr184Ser (NM_001301645.2); short protein forms T184S.
Identifiers: ClinVar variation 1441062 (VCV001441062.6), dbSNP rs1414818606, ClinGen allele CA358630952.

ClinVar aggregate classification (germline): Uncertain significance (1 of 4 stars; one submission).

Submission:

Labcorp Genetics (formerly Invitae), Labcorp
Classification: Uncertain significance. Last evaluated: 2022-01-14. Review status: criteria provided, single submitter. Criteria: Invitae Variant Classification Sherloc (09022015). Collection method: clinical testing. Allele origin: germline.
Comment: In summary, the available evidence is currently insufficient to determine the role of this variant in disease. Therefore, it has been classified as a Variant of Uncertain Significance. Algorithms developed to predict the effect of missense changes on protein structure and function (SIFT, PolyPhen-2, Align-GVGD) all suggest that this variant is likely to be tolerated. This variant has not been reported in the literature in individuals affected with LRAT-related conditions. This variant is not present in population databases (gnomAD no frequency). This sequence change replaces threonine, which is neutral and polar, with serine, which is neutral and polar, at codon 184 of the LRAT protein (p.Thr184Ser).